The following is an entry in ClinVar:

NM_014822.4(SEC24D):c.822T>G (p.Asp274Glu)

Gene: SEC24D (SEC24 homolog D, COPII component; minus strand). Cytogenetic location: 4q26.
Variant type: single nucleotide variant.
Coding change: c.822T>G on transcript NM_014822.4 (MANE Select); coding-DNA position 822, T replaced by G.
Protein change: p.Asp274Glu; replaces aspartic acid 274 with glutamic acid.
Molecular consequence: missense variant.
Genome position (GRCh38, 1-based): chr4:118,805,934, A>C on the plus strand (T>G on the coding strand, the complement: SEC24D is on the minus strand). VCF-style: chr4-118805934-A-C. GRCh37 (hg19) VCF-style: chr4-119727089-A-C.
Other names: c.825T>G, p.Asp275Glu (NM_001318066.2); c.822T>G (NM_014822.2); short protein forms D275E, D274E.
Identifiers: ClinVar variation 715974 (VCV000715974.15), dbSNP rs115571066, ClinGen allele CA3057422.
Genomic context (GRCh38, chr4:118,805,934, plus strand): 5'-CAGGGGAGGGATCTGGCCTCTGGTGTTGGTGGCATAAACTTGTCCTCCTCTGCTGGCTCT[A>C]TCATTCTCAATCACCTGGATCTGATAAATAAGACATCAAGAGCCCGTTAAAGTAGGTTCC-3'
Protein context (NP_055637.2, residues 264-284): IPSPIQVIEN[Asp274Glu]RASRGGQVYA

ClinVar aggregate classification (germline): Conflicting classifications of pathogenicity. Review status: criteria provided, conflicting classifications (1 of 4 stars). 5 submissions from 5 submitters: Uncertain significance (1); Benign (2); Likely benign (1). 1 of the submissions does not count toward it. Last evaluated 2026-01-17.

Conditions:
SEC24D-related disorder. Also called: SEC24D-related condition.
Inborn genetic diseases. Identifiers: MedGen C0950123, MeSH D030342.

Allele frequency attached by ClinVar (database versions not stated): gnomAD exomes 0.00084; ExAC 0.00109; 1000 Genomes Project 0.00240; gnomAD 0.00338 and 0.00367; 1000 Genomes Project 30x 0.00344; TOPMed 0.00393; ESP Exome Variant Server 0.00415.
gnomAD v4.1: 993 of 1,596,064 alleles (0.062%); highest among the groups gnomAD compares: African/African-American, 1.2%; 6 homozygotes.

Submissions (5):

Labcorp Genetics (formerly Invitae), Labcorp
Classification: Benign. Last evaluated: 2026-01-17. Review status: criteria provided, single submitter. Criteria: Invitae Variant Classification Sherloc (09022015). Collection method: clinical testing. Allele origin: germline.

Blueprint Genetics
Classification: Likely benign. Last evaluated: 2024-09-23. Review status: criteria provided, single submitter. Criteria: ACMG Guidelines, 2015. Collection method: clinical testing. Allele origin: germline.

Ambry Genetics
Classification: Uncertain significance for Inborn genetic diseases. Last evaluated: 2023-12-18. Review status: criteria provided, single submitter. Criteria: Ambry Variant Classification Scheme 2023. Collection method: clinical testing. Allele origin: germline.

GeneDx
Classification: Benign. Last evaluated: 2020-07-20. Review status: criteria provided, single submitter. Criteria: GeneDx Variant Classification Process June 2021. Collection method: clinical testing. Allele origin: germline. Affected: yes.

PreventionGenetics, part of Exact Sciences
Classification: Benign for SEC24D-related condition. Last evaluated: 2019-09-23. Review status: no assertion criteria provided. Collection method: clinical testing. Allele origin: germline. Not counted in ClinVar's aggregate classification.
Comment: This variant is classified as benign based on ACMG/AMP sequence variant interpretation guidelines (Richards et al. 2015 PMID: 25741868, with internal and published modifications).